The following is an entry in ClinVar:

NM_022114.4(PRDM16):c.1820T>C (p.Val607Ala)

Gene: PRDM16 (PR/SET domain 16; plus strand). Cytogenetic location: 1p36.32.
Variant type: single nucleotide variant.
Coding change: c.1820T>C on transcript NM_022114.4 (MANE Select); coding-DNA position 1820, T replaced by C.
Protein change: p.Val607Ala; replaces valine 607 with alanine.
Molecular consequence: missense variant.
Genome position (GRCh38, 1-based): chr1:3,412,017, T>C. VCF-style: chr1-3412017-T-C. GRCh37 (hg19) VCF-style: chr1-3328581-T-C.
Other names: c.1820T>C, p.Val607Ala (NM_199454.3); short protein forms V607A.
Identifiers: ClinVar variation 971570 (VCV000971570.9), dbSNP rs866882253, ClinGen allele CA16966827.

ClinVar aggregate classification (germline): Uncertain significance (1 of 4 stars; one submission).

Conditions:
Left ventricular noncompaction 8 (LVNC8). Identifiers: Orphanet 154, Orphanet 54260, MedGen C3809288, MONDO:0014152, OMIM 615373.

Allele frequency attached by ClinVar (database versions not stated): gnomAD exomes 0.00001; gnomAD 0.00002; TOPMed 0.00002.
gnomAD v4.1: 7 of 1,613,244 alleles (0.00043%); highest among the groups gnomAD compares: African/African-American, 0.008%; no homozygotes.

Submission:

Labcorp Genetics (formerly Invitae), Labcorp
Classification: Uncertain significance for Left ventricular noncompaction 8. Last evaluated: 2024-04-15. Review status: criteria provided, single submitter. Criteria: Invitae Variant Classification Sherloc (09022015). Collection method: clinical testing. Allele origin: germline.
Comment: This sequence change replaces valine, which is neutral and non-polar, with alanine, which is neutral and non-polar, at codon 607 of the PRDM16 protein (p.Val607Ala). This variant is present in population databases (no rsID available, gnomAD 0.01%). This variant has not been reported in the literature in individuals affected with PRDM16-related conditions. ClinVar contains an entry for this variant (Variation ID: 971570). An algorithm developed to predict the effect of missense changes on protein structure and function (PolyPhen-2) suggests that this variant is likely to be tolerated. In summary, the available evidence is currently insufficient to determine the role of this variant in disease. Therefore, it has been classified as a Variant of Uncertain Significance.